The following is an entry in ClinVar:

ClinVar aggregate classification (germline): Uncertain significance (1 of 4 stars; one submission).

Conditions:
Inborn genetic diseases. Identifiers: MedGen C0950123, MeSH D030342.

Submission:

Ambry Genetics
Classification: Uncertain significance for Inborn genetic diseases. Last evaluated: 2024-11-30. Review status: criteria provided, single submitter. Criteria: Ambry Variant Classification Scheme 2023. Collection method: clinical testing. Allele origin: germline.
Comment: The p.A1042V variant (also known as c.3125C>T), located in coding exon 14 of the FANCM gene, results from a C to T substitution at nucleotide position 3125. The alanine at codon 1042 is replaced by valine, an amino acid with similar properties. This amino acid position is conserved. In addition, this alteration is predicted to be tolerated by in silico analysis. Based on the available evidence, the clinical significance of this variant remains unclear.

NM_020937.4(FANCM):c.3125C>T (p.Ala1042Val)

Gene: FANCM (FA complementation group M; plus strand). Cytogenetic location: 14q21.2.
Variant type: single nucleotide variant.
Coding change: c.3125C>T on transcript NM_020937.4 (MANE Select); coding-DNA position 3125, C replaced by T.
Protein change: p.Ala1042Val; replaces alanine 1042 with valine.
Molecular consequence: missense variant.
Genome position (GRCh38, 1-based): chr14:45,175,879, C>T. VCF-style: chr14-45175879-C-T. GRCh37 (hg19) VCF-style: chr14-45645082-C-T.
Other names: c.3047C>T, p.Ala1016Val (NM_001308133.2); short protein forms A1016V, A1042V.
Identifiers: ClinVar variation 3512951 (VCV003512951.1).